The following is an entry in ClinVar:

NM_000540.3(RYR1):c.7246G>A (p.Val2416Met)

Gene: RYR1 (ryanodine receptor 1; plus strand). Cytogenetic location: 19q13.2.
Variant type: single nucleotide variant.
Coding change: c.7246G>A on transcript NM_000540.3 (MANE Select); coding-DNA position 7246, G replaced by A.
Protein change: p.Val2416Met; replaces valine 2416 with methionine.
Molecular consequence: missense variant.
Genome position (GRCh38, 1-based): chr19:38,499,939, G>A. VCF-style: chr19-38499939-G-A. GRCh37 (hg19) VCF-style: chr19-38990579-G-A.
Other names: c.7246G>A, p.Val2416Met (NM_001042723.2); short protein forms V2416M.
Identifiers: ClinVar variation 2418522 (VCV002418522.3), dbSNP rs2514315419, ClinGen allele CA405669205.

ClinVar aggregate classification (germline): Uncertain significance (1 of 4 stars; one submission).

Conditions:
RYR1-related disorder. Also called: RYR1-related condition; RYR1-related disorders. Identifiers: MedGen CN239331.

Submission:

Labcorp Genetics (formerly Invitae), Labcorp
Classification: Uncertain significance for RYR1-related disorder. Last evaluated: 2022-07-29. Review status: criteria provided, single submitter. Criteria: Invitae Variant Classification Sherloc (09022015). Collection method: clinical testing. Allele origin: germline.
Comment: This sequence change replaces valine, which is neutral and non-polar, with methionine, which is neutral and non-polar, at codon 2416 of the RYR1 protein (p.Val2416Met). This variant is not present in population databases (gnomAD no frequency). This variant has not been reported in the literature in individuals affected with RYR1-related conditions. Advanced modeling of protein sequence and biophysical properties (such as structural, functional, and spatial information, amino acid conservation, physicochemical variation, residue mobility, and thermodynamic stability) performed at Invitae indicates that this missense variant is expected to disrupt RYR1 protein function. In summary, the available evidence is currently insufficient to determine the role of this variant in disease. Therefore, it has been classified as a Variant of Uncertain Significance.